The following is an entry in ClinVar:

ClinVar aggregate classification (germline): Conflicting classifications of pathogenicity. Review status: criteria provided, conflicting classifications (1 of 4 stars). 2 submissions from 2 submitters: Uncertain significance (1); Likely benign (1). Last evaluated 2019-11-13.

Conditions:
Epileptic encephalopathy. Identifiers: MedGen C0543888, HP:0200134.

Allele frequency attached by ClinVar (database versions not stated): gnomAD exomes 0.00001.
gnomAD v4.1: 11 of 1,613,996 alleles (0.00068%); highest among the groups gnomAD compares: Non-Finnish European, 0.00093%; no homozygotes.

Submissions (2):

GeneDx
Classification: Uncertain significance. Last evaluated: 2019-11-13. Review status: criteria provided, single submitter. Criteria: GeneDx Variant Classification Process June 2021. Collection method: clinical testing. Allele origin: germline. Affected: yes.
Comment: Not observed in large population cohorts (Lek et al., 2016); In silico analysis, which includes protein predictors and evolutionary conservation, supports that this variant does not alter protein structure/function; Has not been previously published as pathogenic or benign to our knowledge

Labcorp Genetics (formerly Invitae), Labcorp
Classification: Likely benign for Epileptic encephalopathy. Last evaluated: 2019-03-06. Review status: criteria provided, single submitter. Criteria: Invitae Variant Classification Sherloc (09022015). Collection method: clinical testing. Allele origin: germline.

NM_005458.8(GABBR2):c.422T>C (p.Ile141Thr)

Gene: GABBR2 (gamma-aminobutyric acid type B receptor subunit 2; minus strand). Cytogenetic location: 9q22.33.
Variant type: single nucleotide variant.
Coding change: c.422T>C on transcript NM_005458.8 (MANE Select); coding-DNA position 422, T replaced by C.
Protein change: p.Ile141Thr; replaces isoleucine 141 with threonine.
Molecular consequence: missense variant.
Genome position (GRCh38, 1-based): chr9:98,577,972, A>G on the plus strand (T>C on the coding strand, the complement: GABBR2 is on the minus strand). VCF-style: chr9-98577972-A-G. GRCh37 (hg19) VCF-style: chr9-101340254-A-G.
Other names: short protein forms I141T.
Identifiers: ClinVar variation 664606 (VCV000664606.12), dbSNP rs1588236381, ClinGen allele CA374350039.
Genomic context (GRCh38, chr9:98,577,972, plus strand): 5'-AAAGAAGGTAGCTCAGACCTTACCTGCACCAGATTCCAGCCTTGGAGGGACTCTGCAATG[A>G]TGGATGTGACGGATGGACAGACGCCTCCAAACACCATCAAGTGGTTAGGCCCGTATTTTA-3'
Protein context (NP_005449.5, residues 131-151): FGGVCPSVTS[Ile141Thr]IAESLQGWNL